The following is an entry in ClinVar:

NM_001142800.2(EYS):c.9301C>T (p.Gln3101Ter)

Genes: EYS (EGF-like photoreceptor maintenance factor; minus strand), PHF3 (PHD finger protein 3; plus strand). Cytogenetic location: 6q12.
Variant type: single nucleotide variant.
Coding change: c.9301C>T on transcript NM_001142800.2 (MANE Select); coding-DNA position 9301, C replaced by T.
Protein change: p.Gln3101Ter; replaces glutamine 3101 with a stop codon.
Molecular consequence: nonsense. On other transcripts: 3 prime UTR variant (5).
Genome position (GRCh38, 1-based): chr6:63,720,730, G>A on the plus strand (C>T on the coding strand, the complement: EYS is on the minus strand). VCF-style: chr6-63720730-G-A. GRCh37 (hg19) VCF-style: chr6-64430626-G-A.
Other names: c.*7022G>A (NM_001290259.2, NM_001370348.2, NM_001370349.2 and 2 more transcripts); c.9301C>T (NM_001142800.1); c.9364C>T, p.Gln3122Ter (NM_001292009.2); short protein forms Q3101*, Q3122*.
Identifiers: ClinVar variation 2675233 (VCV002675233.6), dbSNP rs1768344207, ClinGen allele CA364382796.
Genomic context (GRCh38, chr6:63,720,730, plus strand): 5'-GTTCCTGAAAAAATACAACATCTTTAATTTTGCCAACAAAATTGGTTTTAAAAATCTCTT[G>A]AGTAACGATATTTACCTTTCTACCATATTCAAAGCCCCCTAGATAACAAATGCCATCATA-3'

ClinVar aggregate classification (germline): Pathogenic/Likely pathogenic. Review status: criteria provided, multiple submitters, no conflicts (2 of 4 stars). 4 submissions from 4 submitters: Pathogenic (2); Likely pathogenic (2). Last evaluated 2025-11-06.

Conditions:
Retinitis pigmentosa 25 (RP25). Identifiers: Orphanet 791, MedGen C1864446, MONDO:0011272, OMIM 602772.

Allele frequency attached by ClinVar (database versions not stated): gnomAD exomes below 0.00001; TOPMed 0.00001.
gnomAD v4.1: 2 of 1,549,042 alleles (0.00013%); highest among the groups gnomAD compares: African/African-American, 0.0027%; no homozygotes.

Submissions (4):

Myriad Genetics, Inc.
Classification: Pathogenic for Retinitis pigmentosa 25. Last evaluated: 2025-11-06. Review status: criteria provided, single submitter. Criteria: Myriad Autosomal Dominant, Autosomal Recessive and X-Linked Classification Criteria (2023). Collection method: clinical testing. Allele origin: unknown.
Comment: NM_001142800.1(EYS):c.9301C>T(Q3101*) is a nonsense variant classified as pathogenic in the context of retinitis pigmentosa, EYS-related. Q3101* has not been observed in cases with relevant disease. Relevant functional assessments of this variant are not available in the literature. Q3101* has not been observed in referenced population frequency databases. In summary, NM_001142800.1(EYS):c.9301C>T(Q3101*) is a nonsense variant in a gene where loss of function is a known mechanism of disease and is predicted to disrupt protein function. Please note: this variant was assessed in the context of healthy population screening.

Natera, Inc.
Classification: Likely pathogenic for Retinitis pigmentosa type 25. Last evaluated: 2024-09-11. Review status: criteria provided, single submitter. Criteria: Natera Variant Classification Schema (03/2026). Collection method: clinical testing. Allele origin: germline.
Comment: The c.9301C>T variant in EYS is a nonsense variant predicted to introduce a stop codon at amino acid 3101. This variant is expected to result in nonsense mediated decay, truncation, or a dysfunctional protein product. This variant is rare in the general population with a frequency below the threshold expected for the associated phenotype(s). Given the available evidence, this variant is classified as Likely Pathogenic.

Labcorp Genetics (formerly Invitae), Labcorp
Classification: Pathogenic. Last evaluated: 2024-01-04. Review status: criteria provided, single submitter. Criteria: Invitae Variant Classification Sherloc (09022015). Collection method: clinical testing. Allele origin: germline.
Comment: This sequence change creates a premature translational stop signal (p.Gln3101*) in the EYS gene. While this is not anticipated to result in nonsense mediated decay, it is expected to disrupt the last 44 amino acid(s) of the EYS protein. This variant is not present in population databases (gnomAD no frequency). This variant has not been reported in the literature in individuals affected with EYS-related conditions. This variant disrupts a region of the EYS protein in which other variant(s) (p.Tyr3135*) have been determined to be pathogenic (PMID: 18976725, 29159838, 30337596, 31074760). This suggests that this is a clinically significant region of the protein, and that variants that disrupt it are likely to be disease-causing. For these reasons, this variant has been classified as Pathogenic.

Baylor Genetics
Classification: Likely pathogenic for Retinitis pigmentosa 25. Last evaluated: 2023-10-28. Review status: criteria provided, single submitter. Criteria: ACMG Guidelines, 2015. Collection method: clinical testing. Allele origin: unknown.

Literature cited by the submitters: PubMed 18976725 (cited by Labcorp Genetics (formerly Invitae), Labcorp); PubMed 29159838 (cited by Labcorp Genetics (formerly Invitae), Labcorp); PubMed 30337596 (cited by Labcorp Genetics (formerly Invitae), Labcorp); PubMed 31074760 (cited by Labcorp Genetics (formerly Invitae), Labcorp).